The following is an entry in ClinVar:

NM_006922.4(SCN3A):c.5233T>C (p.Ser1745Pro)

Gene: SCN3A (sodium voltage-gated channel alpha subunit 3; minus strand). Cytogenetic location: 2q24.3.
Variant type: single nucleotide variant.
Coding change: c.5233T>C on transcript NM_006922.4 (MANE Select); coding-DNA position 5233, T replaced by C.
Protein change: p.Ser1745Pro; replaces serine 1745 with proline.
Molecular consequence: missense variant.
Genome position (GRCh38, 1-based): chr2:165,090,920, A>G on the plus strand (T>C on the coding strand, the complement: SCN3A is on the minus strand). VCF-style: chr2-165090920-A-G. GRCh37 (hg19) VCF-style: chr2-165947430-A-G.
Other names: c.5086T>C, p.Ser1696Pro (NM_001081676.2, NM_001081677.2); short protein forms S1696P, S1745P.
Identifiers: ClinVar variation 2813601 (VCV002813601.3), dbSNP rs2468040056, ClinGen allele CA349016626.

ClinVar aggregate classification (germline): Uncertain significance (1 of 4 stars; one submission).

Submission:

Labcorp Genetics (formerly Invitae), Labcorp
Classification: Uncertain significance. Last evaluated: 2023-11-04. Review status: criteria provided, single submitter. Criteria: Invitae Variant Classification Sherloc (09022015). Collection method: clinical testing. Allele origin: germline.
Comment: This sequence change replaces serine, which is neutral and polar, with proline, which is neutral and non-polar, at codon 1745 of the SCN3A protein (p.Ser1745Pro). This variant is not present in population databases (gnomAD no frequency). This variant has not been reported in the literature in individuals affected with SCN3A-related conditions. Advanced modeling of protein sequence and biophysical properties (such as structural, functional, and spatial information, amino acid conservation, physicochemical variation, residue mobility, and thermodynamic stability) performed at Invitae indicates that this missense variant is not expected to disrupt SCN3A protein function with a negative predictive value of 95%. In summary, the available evidence is currently insufficient to determine the role of this variant in disease. Therefore, it has been classified as a Variant of Uncertain Significance.